The following is an entry in ClinVar:

ClinVar aggregate classification (germline): Likely pathogenic (1 of 4 stars; one submission).

Conditions:
Autosomal recessive limb-girdle muscular dystrophy type 2J (LGMDR10). Also called: Limb-girdle muscular dystrophy, type 2J; MUSCULAR DYSTROPHY, LIMB-GIRDLE, AUTOSOMAL RECESSIVE 10. Identifiers: Orphanet 140922, MedGen C1837342, MONDO:0012127, OMIM 608807.
Dilated cardiomyopathy 1G (CMD1G). Identifiers: Orphanet 154, MedGen C1858763, MONDO:0011400, OMIM 604145.

Submission:

Labcorp Genetics (formerly Invitae), Labcorp
Classification: Likely pathogenic for Dilated cardiomyopathy 1G; Autosomal recessive limb-girdle muscular dystrophy type 2J. Last evaluated: 2024-06-08. Review status: criteria provided, single submitter. Criteria: Invitae Variant Classification Sherloc (09022015). Collection method: clinical testing. Allele origin: germline.
Comment: This sequence change creates a premature translational stop signal (p.Leu21451Cysfs*26) in the TTN gene. While this is not anticipated to result in nonsense mediated decay, it is expected to create a truncated TTN protein. This variant is not present in population databases (gnomAD no frequency). This premature translational stop signal has been observed in individual(s) with TTN-related cardiomyopathy (Invitae). This variant is located in the A band of TTN (PMID: 25589632). Truncating variants in this region are significantly overrepresented in patients affected with dilated cardiomyopathy (PMID: 25589632). Truncating variants in this region have also been reported in individuals affected with autosomal recessive centronuclear myopathy (PMID: 23975875). In summary, the currently available evidence indicates that the variant is pathogenic, but additional data are needed to prove that conclusively. Therefore, this variant has been classified as Likely Pathogenic.

Literature cited by the submitters: PubMed 25589632; PubMed 23975875.

NM_001267550.2(TTN):c.64352del (p.Leu21451fs)

Genes: TTN (titin; minus strand), TTN-AS1 (TTN antisense RNA 1; plus strand). Cytogenetic location: 2q31.2.
Variant type: Deletion.
Coding change: c.64352del on transcript NM_001267550.2 (MANE Select); coding-DNA position 64352, one base deleted (T; older notation c.64352delT).
Protein change: p.Leu21451fs; shifts the reading frame from leucine 21451.
Molecular consequence: frameshift variant.
Genome position (GRCh38, 1-based): chr2:178,586,549, A deleted on the plus strand (T on the coding strand, the reverse complement: TTN is on the minus strand); the first of 3 consecutive A bases (chr2:178,586,549-178,586,551); deleting any one gives the same sequence. VCF-style (leftmost placement, unchanged base first): chr2-178586548-CA-C. GRCh37 (hg19) VCF-style: chr2-179451275-CA-C.
Other names: c.37733del, p.Leu12578fs (NM_133437.4); c.59429del, p.Leu19810fs (NM_001256850.1); c.37157del, p.Leu12386fs (NM_003319.4); c.56648del, p.Leu18883fs (NM_133378.4); c.37532del, p.Leu12511fs (NM_133432.3); short protein forms L12386fs, L12511fs, L12578fs, L18883fs, L19810fs, L21451fs.
Identifiers: ClinVar variation 3764002 (VCV003764002.2).